The following is an entry in ClinVar:

ClinVar aggregate classification (germline): Uncertain significance (1 of 4 stars; one submission).

gnomAD v4.1: 1 of 1,550,050 alleles (0.000065%); highest among the groups gnomAD compares: Non-Finnish European, 0.000087%; no homozygotes.

Submission:

Labcorp Genetics (formerly Invitae), Labcorp
Classification: Uncertain significance. Last evaluated: 2023-12-11. Review status: criteria provided, single submitter. Criteria: Invitae Variant Classification Sherloc (09022015). Collection method: clinical testing. Allele origin: germline.
Comment: This sequence change replaces glutamic acid, which is acidic and polar, with lysine, which is basic and polar, at codon 326 of the WNT1 protein (p.Glu326Lys). This variant is not present in population databases (gnomAD no frequency). This variant has not been reported in the literature in individuals affected with WNT1-related conditions. ClinVar contains an entry for this variant (Variation ID: 2113848). Advanced modeling of protein sequence and biophysical properties (such as structural, functional, and spatial information, amino acid conservation, physicochemical variation, residue mobility, and thermodynamic stability) performed at Invitae indicates that this missense variant is not expected to disrupt WNT1 protein function with a negative predictive value of 80%. In summary, the available evidence is currently insufficient to determine the role of this variant in disease. Therefore, it has been classified as a Variant of Uncertain Significance.

NM_005430.4(WNT1):c.976G>A (p.Glu326Lys)

Gene: WNT1 (Wnt family member 1; plus strand). Cytogenetic location: 12q13.12.
Variant type: single nucleotide variant.
Coding change: c.976G>A on transcript NM_005430.4 (MANE Select); coding-DNA position 976, G replaced by A.
Protein change: p.Glu326Lys; replaces glutamic acid 326 with lysine.
Molecular consequence: missense variant.
Genome position (GRCh38, 1-based): chr12:48,981,503, G>A. VCF-style: chr12-48981503-G-A. GRCh37 (hg19) VCF-style: chr12-49375286-G-A.
Other names: short protein forms E326K.
Identifiers: ClinVar variation 2113848 (VCV002113848.4), dbSNP rs2498949003, ClinGen allele CA384637767.